The following is an entry in ClinVar:

ClinVar aggregate classification (germline): Uncertain significance (1 of 4 stars; one submission).

Conditions:
Charcot-Marie-Tooth disease type 2. Also called: Charcot-Marie-Tooth type 2. Identifiers: Orphanet 64746, MedGen C0270914, MONDO:0018993.

gnomAD v4.1: 1 of 1,612,404 alleles (0.000062%); highest among the groups gnomAD compares: African/African-American, 0.0013%; no homozygotes.

Submission:

Labcorp Genetics (formerly Invitae), Labcorp
Classification: Uncertain significance for Charcot-Marie-Tooth disease type 2. Last evaluated: 2018-10-22. Review status: criteria provided, single submitter. Criteria: Invitae Variant Classification Sherloc (09022015). Collection method: clinical testing. Allele origin: germline.
Comment: In summary, the available evidence is currently insufficient to determine the role of this variant in disease. Therefore, it has been classified as a Variant of Uncertain Significance. Algorithms developed to predict the effect of missense changes on protein structure and function are either unavailable or do not agree on the potential impact of this missense change (SIFT: "Deleterious"; PolyPhen-2: "Benign"; Align-GVGD: "Class C0"). This variant has not been reported in the literature in individuals with MED25-related disease. This variant is not present in population databases (ExAC no frequency). This sequence change replaces proline with serine at codon 629 of the MED25 protein (p.Pro629Ser). The proline residue is highly conserved and there is a moderate physicochemical difference between proline and serine.

NM_030973.4(MED25):c.1885C>T (p.Pro629Ser)

Gene: MED25 (mediator complex subunit 25; plus strand). Cytogenetic location: 19q13.33.
Variant type: single nucleotide variant.
Coding change: c.1885C>T on transcript NM_030973.4 (MANE Select); coding-DNA position 1885, C replaced by T.
Protein change: p.Pro629Ser; replaces proline 629 with serine.
Molecular consequence: missense variant.
Genome position (GRCh38, 1-based): chr19:49,835,865, C>T. VCF-style: chr19-49835865-C-T. GRCh37 (hg19) VCF-style: chr19-50339122-C-T.
Other names: c.1885C>T, p.Pro629Ser (NM_001378355.1); short protein forms P629S.
Identifiers: ClinVar variation 665715 (VCV000665715.8), dbSNP rs1368000406, ClinGen allele CA406920531.